The following is an entry in ClinVar:

NM_007294.4(BRCA1):c.-19-1G>A

Gene: BRCA1 (BRCA1 DNA repair associated; minus strand). Cytogenetic location: 17q21.31.
Variant type: single nucleotide variant.
Coding change: c.-19-1G>A on transcript NM_007294.4 (MANE Select); the canonical splice acceptor site of the intron before 19 bases upstream of the start codon, G replaced by A.
Molecular consequence: splice acceptor variant. On other transcripts: 5 prime UTR variant (10), intron variant (66).
Genome position (GRCh38, 1-based): chr17:43,124,116, C>T on the plus strand (G>A on the coding strand, the complement: BRCA1 is on the minus strand). VCF-style: chr17-43124116-C-T. GRCh37 (hg19) VCF-style: chr17-41276133-C-T.
Other names: c.-20G>A (NM_001407593.1, NM_001407610.1, NM_001407621.1 and 6 more transcripts); c.-208G>A (NM_001408483.1); c.-61-8337G>A (NM_001408458.1); c.-219+1161G>A (NM_001407967.1); c.-170+1161G>A (NM_001407959.1); c.-8+1161G>A (NM_001407931.1, NM_001407747.1); c.-224+1161G>A (NM_001407962.1, NM_001408512.1, NM_001408510.1); c.-109+1161G>A (NM_001407885.1); and 28 more.
Identifiers: ClinVar variation 371947 (VCV000371947.14), dbSNP rs569074958, ClinGen allele CA054646.

ClinVar aggregate classification (germline): Uncertain significance. Review status: criteria provided, multiple submitters, no conflicts (2 of 4 stars). 3 submissions from 3 submitters: Uncertain significance (2). 1 of the submissions does not count toward it. Last evaluated 2025-07-09.

Conditions:
Hereditary cancer-predisposing syndrome. Also called: Neoplastic Syndromes, Hereditary; Hereditary neoplastic syndrome; Hereditary Cancer Syndrome; Tumor predisposition. Identifiers: Orphanet 140162, MedGen C0027672, MeSH D009386, MONDO:0015356.
Breast-ovarian cancer, familial, susceptibility to, 1 (BROVCA1). Also called: BRCA1 Hereditary Breast and Ovarian Cancer; OVARIAN CANCER, SUSCEPTIBILITY TO. Identifiers: Orphanet 145, MedGen C2676676, MONDO:0011450, OMIM 604370. Disease mechanism: loss of function.
Hereditary breast ovarian cancer syndrome. Also called: Hereditary breast and ovarian cancer syndrome; Breast and ovarian cancer; Hereditary breast and ovarian cancer syndrome (HBOC); Hereditary breast and/or ovarian cancer syndrome; BRCA1- and BRCA2-Associated Hereditary Breast and Ovarian Cancer; Hereditary breast and ovarian cancer. Identifiers: Orphanet 145, MedGen C0677776, MeSH D061325, MONDO:0003582. Disease mechanism: loss of function.

Allele frequency attached by ClinVar (database versions not stated): gnomAD exomes below 0.00001; ExAC 0.00001; gnomAD 0.00001; 1000 Genomes Project 30x 0.00016; 1000 Genomes Project 0.00020.
gnomAD v4.1: 1 of 1,557,066 alleles (0.000064%); highest among the groups gnomAD compares: African/African-American, 0.0014%; no homozygotes.

Submissions (4):

Color Diagnostics, LLC DBA Color Health
Classification: Uncertain significance for Hereditary cancer-predisposing syndrome. Last evaluated: 2025-07-09. Review status: criteria provided, single submitter. Criteria: ACMG Guidelines, 2015. Collection method: clinical testing. Allele origin: germline.
Comment: This variant causes a G to A nucleotide substitution at the -1 position of intron 1 of the BRCA2 gene. Splice site prediction tools predict that this variant would disrupt the reference intron 1 splice acceptor site and the activation of a cryptic acceptor site causing a 13-basepair deletion in the 5' UTR, c.-19_-7del (PMID: 30661751, 35449021). To our knowledge, RNA study has not been published to examine the splicing outcome for this variant. A functional study that a haploid cell proliferation assay requiring splicing of the variant transcript showed that this variant partially disrupted BRCA1 function and some activity was detected (PMID: 30209399). This variant has not been reported in individuals affected with BRCA1-related disorders in the literature. This variant has been identified in 1/249606 chromosomes in the general population by the Genome Aggregation Database (gnomAD). The available evidence is insufficient to determine the role of this variant in disease conclusively. Therefore, this variant is classified as a Variant of Uncertain Significance.

Labcorp Genetics (formerly Invitae), Labcorp
Classification: Uncertain significance for Hereditary breast ovarian cancer syndrome. Last evaluated: 2023-11-14. Review status: criteria provided, single submitter. Criteria: Invitae Variant Classification Sherloc (09022015). Collection method: clinical testing. Allele origin: germline.
Comment: This sequence change falls in intron 1 of the BRCA1 gene. It does not directly change the encoded amino acid sequence of the BRCA1 protein. It affects a nucleotide within the consensus splice site. This variant is present in population databases (rs569074958, gnomAD 0.007%). This variant has been observed in individual(s) with a personal and/or family history of breast and/or ovarian cancer (PMID: 29446198). ClinVar contains an entry for this variant (Variation ID: 371947). Algorithms developed to predict the effect of variants on protein structure and function are not available or were not evaluated for this variant. Experimental studies are conflicting or provide insufficient evidence to determine the effect of this variant on BRCA1 function (PMID: 30209399). Variants that disrupt the consensus splice site are a relatively common cause of aberrant splicing (PMID: 17576681, 9536098). Algorithms developed to predict the effect of sequence changes on RNA splicing suggest that this variant may disrupt the consensus splice site. In summary, the available evidence is currently insufficient to determine the role of this variant in disease. Therefore, it has been classified as a Variant of Uncertain Significance.

Counsyl
Classification: Uncertain significance for Breast-ovarian cancer, familial, susceptibility to, 1. Last evaluated: 2016-09-06. Review status: no assertion criteria provided. Collection method: clinical testing. Allele origin: unknown. Not counted in ClinVar's aggregate classification.

Brotman Baty Institute, University of Washington
No classification provided (evidence only). Condition: Breast-ovarian cancer, familial 1. Review status: no classification provided. Collection method: in vitro. Allele origin: not applicable. Functional consequence: function_uncertain_variant. Not counted in ClinVar's aggregate classification.
ClinVar note: "not provided" was previously submitted as the classification for the variant. However, the classification appeared to be based only on an observation of functional data so it was converted to no classification on 2025-07-30.

Literature cited by the submitters: PubMed 30209399 (cited by Color Diagnostics, LLC DBA Color Health and Labcorp Genetics (formerly Invitae), Labcorp); PubMed 30661751 (cited by Color Diagnostics, LLC DBA Color Health); PubMed 35449021 (cited by Color Diagnostics, LLC DBA Color Health); PubMed 29446198 (cited by Labcorp Genetics (formerly Invitae), Labcorp); PubMed 17576681 (cited by Labcorp Genetics (formerly Invitae), Labcorp); PubMed 9536098 (cited by Labcorp Genetics (formerly Invitae), Labcorp).